The following is an entry in ClinVar:

NM_003126.4(SPTA1):c.7068A>C (p.Glu2356Asp)

Gene: SPTA1 (spectrin alpha, erythrocytic 1; minus strand). Cytogenetic location: 1q23.1.
Variant type: single nucleotide variant.
Coding change: c.7068A>C on transcript NM_003126.4 (MANE Select); coding-DNA position 7068, A replaced by C.
Protein change: p.Glu2356Asp; replaces glutamic acid 2356 with aspartic acid.
Molecular consequence: missense variant.
Genome position (GRCh38, 1-based): chr1:158,612,883, T>G on the plus strand (A>C on the coding strand, the complement: SPTA1 is on the minus strand). VCF-style: chr1-158612883-T-G. GRCh37 (hg19) VCF-style: chr1-158582673-T-G.
Other names: short protein forms E2356D.
Identifiers: ClinVar variation 292937 (VCV000292937.19), dbSNP rs78598639, ClinGen allele CA1181738.
Genomic context (GRCh38, chr1:158,612,883, plus strand): 5'-CATGTCTTCTTTGGTAATATATGACTTGCCCTCTGCCAGGGCTTGGAAGGCATTCTCTAT[T>G]TCATCACTGGACTTGATGTTTTCTGACTCCTTGTCAATCAGGAAAGCAGTATAGTCCTCC-3'
Protein context (NP_003117.2, residues 2346-2366): KESENIKSSD[Glu2356Asp]IENAFQALAE

ClinVar aggregate classification (germline): Conflicting classifications of pathogenicity. Review status: criteria provided, conflicting classifications (1 of 4 stars). 8 submissions from 6 submitters: Uncertain significance (5); Benign (1); Likely benign (2). Last evaluated 2025-12-21.

Conditions:
Pyropoikilocytosis, hereditary. Also called: Pyropoikilocytosis. Identifiers: MedGen C0520739, MONDO:0009948, OMIM 266140, HP:0004839. Disease mechanism: loss of function.
Elliptocytosis 2 (EL2). Also called: ELLIPTOCYTOSIS, RHESUS-UNLINKED TYPE. Identifiers: Orphanet 288, MedGen C1851741, MONDO:0007533, OMIM 130600.
Hereditary spherocytosis type 3. Also called: Spherocytosis type 3; SPTA1-Related Spherocytosis. Identifiers: Orphanet 822, MedGen C2678338, MONDO:0010053, OMIM 270970.
SPTA1-related disorder. Also called: SPTA1-related condition; SPTA1-related disorders.

Allele frequency attached by ClinVar (database versions not stated): ExAC 0.00046; gnomAD 0.00054 and 0.00056; ESP Exome Variant Server 0.00057; 1000 Genomes Project 0.00060; TOPMed 0.00070; 1000 Genomes Project 30x 0.00078.
gnomAD v4.1: 921 of 1,613,950 alleles (0.057%); highest among the groups gnomAD compares: Admixed American, 0.19%; 1 homozygote.

Submissions (8):

Labcorp Genetics (formerly Invitae), Labcorp
Classification: Benign. Last evaluated: 2025-12-21. Review status: criteria provided, single submitter. Criteria: Invitae Variant Classification Sherloc (09022015). Collection method: clinical testing. Allele origin: germline.

PreventionGenetics, part of Exact Sciences
Classification: Likely benign for SPTA1-related condition. Last evaluated: 2025-01-02. Review status: criteria provided, single submitter. Criteria: ACMG Guidelines, 2015. Collection method: clinical testing. Allele origin: germline.
Comment: This variant is classified as likely benign based on ACMG/AMP sequence variant interpretation guidelines (Richards et al. 2015 PMID: 25741868, with internal and published modifications).

Blueprint Genetics
Classification: Likely benign. Last evaluated: 2024-11-04. Review status: criteria provided, single submitter. Criteria: ACMG Guidelines, 2015. Collection method: clinical testing. Allele origin: germline.

ARUP Laboratories, Molecular Genetics and Genomics, ARUP Laboratories
Classification: Uncertain significance. Last evaluated: 2022-03-31. Review status: criteria provided, single submitter. Criteria: ARUP Molecular Germline Variant Investigation Process 2021. Collection method: clinical testing. Allele origin: germline.

Illumina Laboratory Services, Illumina
Classification: Uncertain significance for Hereditary spherocytosis type 3. Last evaluated: 2018-01-13. Review status: criteria provided, single submitter. Criteria: ICSL Variant Classification Criteria 13 December 2019. Collection method: clinical testing. Allele origin: germline.

Illumina Laboratory Services, Illumina
Classification: Uncertain significance for Pyropoikilocytosis, hereditary. Last evaluated: 2018-01-13. Review status: criteria provided, single submitter. Criteria: ICSL Variant Classification Criteria 13 December 2019. Collection method: clinical testing. Allele origin: germline.

Illumina Laboratory Services, Illumina
Classification: Uncertain significance for Elliptocytosis 2. Last evaluated: 2018-01-13. Review status: criteria provided, single submitter. Criteria: ICSL Variant Classification Criteria 13 December 2019. Collection method: clinical testing. Allele origin: germline.

Breakthrough Genomics
Classification: Uncertain significance. Review status: criteria provided, single submitter. Criteria: ACMG Guidelines, 2015. Collection method: not provided. Allele origin: germline. Inheritance: Autosomal recessive inheritance. Affected: yes.